The following is an entry in ClinVar:

NM_004415.4(DSP):c.3068G>A (p.Ser1023Asn)

Gene: DSP (desmoplakin; plus strand). Cytogenetic location: 6p24.3.
Variant type: single nucleotide variant.
Coding change: c.3068G>A on transcript NM_004415.4 (MANE Select); coding-DNA position 3068, G replaced by A.
Protein change: p.Ser1023Asn; replaces serine 1023 with asparagine.
Molecular consequence: missense variant.
Genome position (GRCh38, 1-based): chr6:7,578,546, G>A. VCF-style: chr6-7578546-G-A. GRCh37 (hg19) VCF-style: chr6-7578779-G-A.
Other names: c.3068G>A, p.Ser1023Asn (NM_001008844.3, NM_001319034.2); short protein forms S1023N.
Identifiers: ClinVar variation 1469740 (VCV001469740.8), dbSNP rs2113690096, ClinGen allele CA362682766.

ClinVar aggregate classification (germline): Uncertain significance (1 of 4 stars; one submission).

Conditions:
Arrhythmogenic right ventricular dysplasia 8 (ARVD8). Also called: Arrhythmogenic Right Ventricular Dysplasia/Cardiomyopathy 8; ARRHYTHMOGENIC RIGHT VENTRICULAR DYSPLASIA, FAMILIAL, 8; ARRHYTHMOGENIC RIGHT VENTRICULAR CARDIOMYOPATHY 8. Identifiers: MedGen C1843896, MONDO:0011831, OMIM 607450.
Arrhythmogenic cardiomyopathy with wooly hair and keratoderma. Also called: Carvajal syndrome; Dilated cardiomyopathy with woolly hair and keratoderma; Arrhythmogenic cardiomyopathy with woolly hair and keratoderma; PALMOPLANTAR KERATODERMA WITH LEFT VENTRICULAR CARDIOMYOPATHY AND WOOLLY HAIR. Identifiers: Orphanet 65282, MedGen C1854063, MONDO:0011581, OMIM 605676.

Submission:

Labcorp Genetics (formerly Invitae), Labcorp
Classification: Uncertain significance for Arrhythmogenic cardiomyopathy with wooly hair and keratoderma; Arrhythmogenic right ventricular dysplasia 8. Last evaluated: 2021-05-04. Review status: criteria provided, single submitter. Criteria: Invitae Variant Classification Sherloc (09022015). Collection method: clinical testing. Allele origin: germline.
Comment: In summary, the available evidence is currently insufficient to determine the role of this variant in disease. Therefore, it has been classified as a Variant of Uncertain Significance. Algorithms developed to predict the effect of missense changes on protein structure and function are either unavailable or do not agree on the potential impact of this missense change (SIFT: "Tolerated"; PolyPhen-2: "Probably Damaging"; Align-GVGD: "Class C0"). This variant has not been reported in the literature in individuals with DSP-related conditions. This variant is not present in population databases (ExAC no frequency). This sequence change replaces serine with asparagine at codon 1023 of the DSP protein (p.Ser1023Asn). The serine residue is highly conserved and there is a small physicochemical difference between serine and asparagine.